The following is an entry in ClinVar:

NM_000540.3(RYR1):c.2241G>A (p.Leu747=)

Gene: RYR1 (ryanodine receptor 1; plus strand). Cytogenetic location: 19q13.2.
Variant type: single nucleotide variant.
Coding change: c.2241G>A on transcript NM_000540.3 (MANE Select); coding-DNA position 2241, G replaced by A.
Protein change: p.Leu747=; no amino-acid change (leucine 747 retained).
Molecular consequence: synonymous variant.
Genome position (GRCh38, 1-based): chr19:38,459,219, G>A. VCF-style: chr19-38459219-G-A. GRCh37 (hg19) VCF-style: chr19-38949859-G-A.
Other names: c.2241G>A, p.Leu747= (NM_001042723.2).
Identifiers: ClinVar variation 256471 (VCV000256471.21), dbSNP rs34097444, ClinGen allele CA063038.

ClinVar aggregate classification (germline): Benign/Likely benign. Review status: criteria provided, multiple submitters, no conflicts (2 of 4 stars). 9 submissions from 9 submitters: Benign (7); Likely benign (2). Last evaluated 2026-02-02.

Conditions:
RYR1-related disorder. Also called: RYR1-related condition; RYR1-related disorders. Identifiers: MedGen CN239331.
Malignant hyperthermia, susceptibility to, 1 (MHS1). Also called: RYR1-Related Malignant Hyperthermia Susceptibility; Anesthesia related hyperthermia; Malignant hyperpyrexia; Fulminating hyperpyrexia; Pharmacogenic myopathy; Malignant hyperthermia suceptibility 1. Identifiers: Orphanet 423, MedGen C2930980, MONDO:0007783, OMIM 145600.

Allele frequency attached by ClinVar (database versions not stated): gnomAD exomes 0.00045 and 0.00115; ExAC 0.00139; gnomAD 0.00493 and 0.00526; ESP Exome Variant Server 0.00515; 1000 Genomes Project 0.00619; TOPMed 0.00622; 1000 Genomes Project 30x 0.00625.
gnomAD v4.1: 1,442 of 1,614,166 alleles (0.089%); highest among the groups gnomAD compares: African/African-American, 1.5%; 11 homozygotes.

Submissions (9):

Labcorp Genetics (formerly Invitae), Labcorp
Classification: Benign for RYR1-related disorder. Last evaluated: 2026-02-02. Review status: criteria provided, single submitter. Criteria: Invitae Variant Classification Sherloc (09022015). Collection method: clinical testing. Allele origin: germline.

ARUP Laboratories, Molecular Genetics and Genomics, ARUP Laboratories
Classification: Benign. Last evaluated: 2025-06-11. Review status: criteria provided, single submitter. Criteria: ARUP Molecular Germline Variant Investigation Process 2024. Collection method: clinical testing. Allele origin: germline.

Blueprint Genetics
Classification: Likely benign. Last evaluated: 2024-11-21. Review status: criteria provided, single submitter. Criteria: ACMG Guidelines, 2015. Collection method: clinical testing. Allele origin: germline.

All of Us Research Program, National Institutes of Health
Classification: Benign for Malignant hyperthermia, susceptibility to, 1. Last evaluated: 2024-02-05. Review status: criteria provided, single submitter. Criteria: ACMG Guidelines, 2015. Collection method: clinical testing. Allele origin: germline. Inheritance: Autosomal dominant inheritance. Observed: 295 variant alleles, 292 heterozygotes, 3 homozygotes.
Comment: This study involves interpretation of variants in research participants for the purpose of population health screening. Participant phenotype was not available at the time of variant classification. Additional details can be found in publication PMID: 35346344, PMCID: PMC8962531

Color Diagnostics, LLC DBA Color Health
Classification: Benign for Malignant hyperthermia, susceptibility to, 1. Last evaluated: 2022-05-04. Review status: criteria provided, single submitter. Criteria: ACMG Guidelines, 2015. Collection method: clinical testing. Allele origin: germline.

PreventionGenetics, part of Exact Sciences
Classification: Benign. Last evaluated: 2017-10-20. Review status: criteria provided, single submitter. Criteria: ACMG Guidelines, 2015. Collection method: clinical testing. Allele origin: germline.

GeneDx
Classification: Benign. Last evaluated: 2017-06-15. Review status: criteria provided, single submitter. Criteria: GeneDx Variant Classification (06012015). Collection method: clinical testing. Allele origin: germline. Affected: yes.
Comment: This variant is considered likely benign or benign based on one or more of the following criteria: it is a conservative change, it occurs at a poorly conserved position in the protein, it is predicted to be benign by multiple in silico algorithms, and/or has population frequency not consistent with disease.

Athena Diagnostics
Classification: Benign. Last evaluated: 2016-08-15. Review status: criteria provided, single submitter. Criteria: Athena Diagnostics Criteria. Collection method: clinical testing. Allele origin: germline.

Breakthrough Genomics
Classification: Likely benign. Review status: criteria provided, single submitter. Criteria: ACMG Guidelines, 2015. Collection method: not provided. Allele origin: germline. Inheritance: Autosomal recessive inheritance. Affected: yes.